The following is an entry in ClinVar:

ClinVar aggregate classification (germline): Conflicting classifications of pathogenicity. Review status: criteria provided, conflicting classifications (1 of 4 stars). 3 submissions from 3 submitters: Likely pathogenic (1); Uncertain significance (2). Last evaluated 2024-05-22.

Conditions:
Congenital muscular dystrophy due to integrin alpha-7 deficiency. Also called: MYOPATHY, CONGENITAL, DUE TO INTEGRIN ALPHA-7 DEFICIENCY; Congenital muscular dystrophy with integrin alpha-7 deficiency; Muscular dystrophy, congenital, due to ITGA7 deficiency. Identifiers: Orphanet 34520, MedGen C2750786, MONDO:0013177, OMIM 613204.

Allele frequency attached by ClinVar (database versions not stated): TOPMed below 0.00001; ExAC 0.00001; gnomAD exomes 0.00001.
gnomAD v4.1: 14 of 1,614,144 alleles (0.00087%); highest among the groups gnomAD compares: Middle Eastern, 0.082%; no homozygotes.

Submissions (3):

Labcorp Genetics (formerly Invitae), Labcorp
Classification: Uncertain significance for Congenital muscular dystrophy due to integrin alpha-7 deficiency. Last evaluated: 2024-05-22. Review status: criteria provided, single submitter. Criteria: Invitae Variant Classification Sherloc (09022015). Collection method: clinical testing. Allele origin: germline.
Comment: This sequence change replaces valine, which is neutral and non-polar, with isoleucine, which is neutral and non-polar, at codon 760 of the ITGA7 protein (p.Val760Ile). This variant is present in population databases (rs773004449, gnomAD 0.003%). This variant has not been reported in the literature in individuals affected with ITGA7-related conditions. ClinVar contains an entry for this variant (Variation ID: 252541). Algorithms developed to predict the effect of missense changes on protein structure and function output the following: SIFT: "Not Available"; PolyPhen-2: "Benign"; Align-GVGD: "Not Available". The isoleucine amino acid residue is found in multiple mammalian species, which suggests that this missense change does not adversely affect protein function. In summary, the available evidence is currently insufficient to determine the role of this variant in disease. Therefore, it has been classified as a Variant of Uncertain Significance.

Revvity Omics, Revvity
Classification: Uncertain significance for Congenital muscular dystrophy due to integrin alpha-7 deficiency. Last evaluated: 2022-01-16. Review status: criteria provided, single submitter. Criteria: ACMG Guidelines, 2015. Collection method: clinical testing. Allele origin: germline.

Genomic Diagnostic Laboratory, Division of Genomic Diagnostics, Children's Hospital of Philadelphia
Classification: Likely pathogenic. Last evaluated: 2015-07-27. Review status: criteria provided, single submitter. Criteria: DGD Variant Analysis Guidelines. Collection method: clinical testing. Allele origin: unknown.

NM_002206.3(ITGA7):c.2278G>A (p.Val760Ile)

Genes: ITGA7 (integrin subunit alpha 7; minus strand), LOC126861535 (CDK7 strongly-dependent group 2 enhancer GRCh37_chr12:56087579-56088778; plus strand). Cytogenetic location: 12q13.2.
Variant type: single nucleotide variant.
Coding change: c.2278G>A on transcript NM_002206.3 (MANE Select); coding-DNA position 2278, G replaced by A.
Protein change: p.Val760Ile; replaces valine 760 with isoleucine.
Molecular consequence: missense variant.
Genome position (GRCh38, 1-based): chr12:55,694,522, C>T on the plus strand (G>A on the coding strand, the complement: ITGA7 is on the minus strand). VCF-style: chr12-55694522-C-T. GRCh37 (hg19) VCF-style: chr12-56088306-C-T.
Other names: c.2290G>A, p.Val764Ile (NM_001144996.2); c.1999G>A, p.Val667Ile (NM_001144997.2); c.1951G>A, p.Val651Ile (NM_001367993.1); c.934G>A, p.Val312Ile (NM_001367994.1); c.2260G>A, p.Val754Ile (NM_001374465.1); c.2410G>A, p.Val804Ile (NM_001410977.1); c.2272G>A, p.Val758Ile (NM_001414029.1); c.2203G>A, p.Val735Ile (NM_001414030.1); and 5 more; short protein forms V760I, V764I, V667I, V312I, V651I, V754I, V804I, V647I.
Identifiers: ClinVar variation 252541 (VCV000252541.12), dbSNP rs773004449, ClinGen allele CA6615665.